The following is an entry in ClinVar:

ClinVar aggregate classification (germline): Uncertain significance. Review status: criteria provided, multiple submitters, no conflicts (2 of 4 stars). 3 submissions from 3 submitters: Uncertain significance (3). Last evaluated 2021-11-07.

Conditions:
Microcephaly, normal intelligence and immunodeficiency (NBS). Also called: BERLIN BREAKAGE SYNDROME; Immunodeficiency, microcephaly with normal intelligence; SEEMANOVA SYNDROME II; Ataxia telangiectasia variant V1; Nijmegen breakage syndrome; IMMUNODEFICIENCY, MICROCEPHALY, AND CHROMOSOMAL INSTABILITY. Identifiers: Orphanet 647, MedGen C0398791, MONDO:0009623, OMIM 251260.
Hereditary cancer-predisposing syndrome. Also called: Neoplastic Syndromes, Hereditary; Hereditary neoplastic syndrome; Hereditary Cancer Syndrome; Tumor predisposition. Identifiers: Orphanet 140162, MedGen C0027672, MeSH D009386, MONDO:0015356.

Submissions (3):

Genome-Nilou Lab
Classification: Uncertain significance for Microcephaly, normal intelligence and immunodeficiency. Last evaluated: 2021-11-07. Review status: criteria provided, single submitter. Criteria: ACMG Guidelines, 2015. Collection method: clinical testing. Allele origin: germline. Affected: no.

Labcorp Genetics (formerly Invitae), Labcorp
Classification: Uncertain significance for Microcephaly, normal intelligence and immunodeficiency. Last evaluated: 2021-07-24. Review status: criteria provided, single submitter. Criteria: Invitae Variant Classification Sherloc (09022015). Collection method: clinical testing. Allele origin: germline.
Comment: Algorithms developed to predict the effect of missense changes on protein structure and function (SIFT, PolyPhen-2, Align-GVGD) all suggest that this variant is likely to be tolerated, but these predictions have not been confirmed by published functional studies and their clinical significance is uncertain. This variant has not been reported in the literature in individuals with NBN-related disease. This variant is not present in population databases (ExAC no frequency). This sequence change replaces histidine with glutamine at codon 507 of the NBN protein (p.His507Gln). The histidine residue is moderately conserved and there is a small physicochemical difference between histidine and glutamine. In summary, the available evidence is currently insufficient to determine the role of this variant in disease. Therefore, it has been classified as a Variant of Uncertain Significance.

Ambry Genetics
Classification: Uncertain significance for Hereditary cancer-predisposing syndrome. Last evaluated: 2019-08-14. Review status: criteria provided, single submitter. Criteria: Ambry Variant Classification Scheme 2023. Collection method: clinical testing. Allele origin: germline.
Comment: The p.H507Q variant (also known as c.1521T>A), located in coding exon 11 of the NBN gene, results from a T to A substitution at nucleotide position 1521. The histidine at codon 507 is replaced by glutamine, an amino acid with highly similar properties. This amino acid position is poorly conserved in available vertebrate species. In addition, this alteration is predicted to be tolerated by in silico analysis. Since supporting evidence is limited at this time, the clinical significance of this alteration remains unclear.

NM_002485.5(NBN):c.1521T>A (p.His507Gln)

Gene: NBN (nibrin; minus strand). Cytogenetic location: 8q21.3.
Variant type: single nucleotide variant.
Coding change: c.1521T>A on transcript NM_002485.5 (MANE Select); coding-DNA position 1521, T replaced by A.
Protein change: p.His507Gln; replaces histidine 507 with glutamine.
Molecular consequence: missense variant.
Genome position (GRCh38, 1-based): chr8:89,953,568, A>T on the plus strand (T>A on the coding strand, the complement: NBN is on the minus strand). VCF-style: chr8-89953568-A-T. GRCh37 (hg19) VCF-style: chr8-90965796-A-T.
Other names: c.1275T>A, p.His425Gln (NM_001024688.3); short protein forms H425Q, H507Q.
Identifiers: ClinVar variation 655198 (VCV000655198.15), dbSNP rs1586054212, ClinGen allele CA371655678.